The following is an entry in ClinVar:

ClinVar aggregate classification (germline): Benign (0 of 4 stars; one submission).

Conditions:
DMBT1-related disorder. Also called: DMBT1-related condition.

Allele frequency attached by ClinVar (database versions not stated): 1000 Genomes Project 30x 0.00281; 1000 Genomes Project 0.00300; gnomAD 0.00302; ESP Exome Variant Server 0.00339.
gnomAD v4.1: 977 of 1,606,782 alleles (0.061%); highest among the groups gnomAD compares: African/African-American, 1%; 75 homozygotes.

Submissions (2):

PreventionGenetics, part of Exact Sciences
Classification: Benign for DMBT1-related condition. Last evaluated: 2019-04-01. Review status: no assertion criteria provided. Collection method: clinical testing. Allele origin: germline.
Comment: This variant is classified as benign based on ACMG/AMP sequence variant interpretation guidelines (Richards et al. 2015 PMID: 25741868, with internal and published modifications).

Dr. Peter K. Rogan Lab, Western University
No classification provided (evidence only). Condition: Colon adenocarcinoma. Review status: no classification provided. Collection method: in vitro. Allele origin: not applicable. Functional consequence: retained intron. Not counted in ClinVar's aggregate classification.

NM_001377530.1(DMBT1):c.3293G>A (p.Arg1098Gln)

Gene: DMBT1 (deleted in malignant brain tumors 1; plus strand). Cytogenetic location: 10q26.13.
Variant type: single nucleotide variant.
Coding change: c.3293G>A on transcript NM_001377530.1 (MANE Select); coding-DNA position 3293, G replaced by A.
Protein change: p.Arg1098Gln; replaces arginine 1098 with glutamine.
Molecular consequence: missense variant.
Genome position (GRCh38, 1-based): chr10:122,600,076, G>A. VCF-style: chr10-122600076-G-A. GRCh37 (hg19) VCF-style: chr10-124359592-G-A.
Other names: NC_000010.10:g.124359592G>A; c.3293G>A, p.Arg1098Gln (NM_001320644.2, NM_007329.3); c.1796G>A, p.Arg599Gln (NM_004406.3); c.3263G>A, p.Arg1088Gln (NM_017579.3); short protein forms R1088Q, R1098Q, R599Q.
Identifiers: ClinVar variation 3052685 (VCV003052685.3), dbSNP rs191098913, ClinGen allele CA5727504.